The following is an entry in ClinVar:

ClinVar aggregate classification (germline): Uncertain significance. Review status: criteria provided, multiple submitters, no conflicts (2 of 4 stars). 5 submissions from 5 submitters: Uncertain significance (5). Last evaluated 2025-06-13.

Conditions:
HSPG2-related disorder. Also called: HSPG2-related condition; HSPG2-related disorders.

Allele frequency attached by ClinVar (database versions not stated): gnomAD 0.00005; TOPMed 0.00005; ExAC 0.00006; gnomAD exomes 0.00006 and 0.00014; ESP Exome Variant Server 0.00008.
gnomAD v4.1: 203 of 1,614,030 alleles (0.013%); highest among the groups gnomAD compares: Non-Finnish European, 0.016%; no homozygotes.

Submissions (5):

PreventionGenetics, part of Exact Sciences
Classification: Uncertain significance for HSPG2-related condition. Last evaluated: 2025-06-13. Review status: criteria provided, single submitter. Criteria: ACMG Guidelines, 2015. Collection method: clinical testing. Allele origin: germline.
Comment: The HSPG2 c.4813G>A variant is predicted to result in the amino acid substitution p.Gly1605Arg. To our knowledge, this variant has not been reported in the literature. This variant is reported in 0.022% of alleles in individuals of East Asian descent in gnomAD. At this time, the clinical significance of this variant is uncertain due to the absence of conclusive functional and genetic evidence.

GeneDx
Classification: Uncertain significance. Last evaluated: 2025-04-30. Review status: criteria provided, single submitter. Criteria: GeneDx Variant Classification Process June 2021. Collection method: clinical testing. Allele origin: germline. Affected: yes.
Comment: In silico analysis supports that this missense variant has a deleterious effect on protein structure/function; Has not been previously published as pathogenic or benign to our knowledge

Labcorp Genetics (formerly Invitae), Labcorp
Classification: Uncertain significance. Last evaluated: 2022-07-26. Review status: criteria provided, single submitter. Criteria: Invitae Variant Classification Sherloc (09022015). Collection method: clinical testing. Allele origin: germline.
Comment: This sequence change replaces glycine, which is neutral and non-polar, with arginine, which is basic and polar, at codon 1605 of the HSPG2 protein (p.Gly1605Arg). This variant is present in population databases (rs370427626, gnomAD 0.02%). This variant has not been reported in the literature in individuals affected with HSPG2-related conditions. ClinVar contains an entry for this variant (Variation ID: 1256154). Algorithms developed to predict the effect of missense changes on protein structure and function are either unavailable or do not agree on the potential impact of this missense change (SIFT: "Deleterious"; PolyPhen-2: "Probably Damaging"; Align-GVGD: "Class C0"). In summary, the available evidence is currently insufficient to determine the role of this variant in disease. Therefore, it has been classified as a Variant of Uncertain Significance.

Athena Diagnostics
Classification: Uncertain significance. Last evaluated: 2021-03-02. Review status: criteria provided, single submitter. Criteria: Athena Diagnostics criteria. Collection method: clinical testing. Allele origin: unknown.

Revvity Omics, Revvity
Classification: Uncertain significance. Last evaluated: 2020-02-12. Review status: criteria provided, single submitter. Criteria: ACMG Guidelines, 2015. Collection method: clinical testing. Allele origin: germline.

NM_005529.7(HSPG2):c.4813G>A (p.Gly1605Arg)

Gene: HSPG2 (heparan sulfate proteoglycan 2; minus strand). Cytogenetic location: 1p36.12.
Variant type: single nucleotide variant.
Coding change: c.4813G>A on transcript NM_005529.7 (MANE Select); coding-DNA position 4813, G replaced by A.
Protein change: p.Gly1605Arg; replaces glycine 1605 with arginine.
Molecular consequence: missense variant.
Genome position (GRCh38, 1-based): chr1:21,862,043, C>T on the plus strand (G>A on the coding strand, the complement: HSPG2 is on the minus strand). VCF-style: chr1-21862043-C-T. GRCh37 (hg19) VCF-style: chr1-22188536-C-T.
Other names: c.4816G>A, p.Gly1606Arg (NM_001291860.2); c.4813G>A (NM_005529.5); short protein forms G1605R, G1606R.
Identifiers: ClinVar variation 1256154 (VCV001256154.7), dbSNP rs370427626, ClinGen allele CA672158.